The following is an entry in ClinVar:

ClinVar aggregate classification (germline): Uncertain significance (1 of 4 stars; one submission).

Submission:

CeGaT Center for Human Genetics Tuebingen
Classification: Uncertain significance. Last evaluated: 2026-04-01. Review status: criteria provided, single submitter. Criteria: CeGaT Center For Human Genetics Tuebingen Variant Classification Criteria Version 2. Collection method: clinical testing. Allele origin: germline. Affected: yes. Observed: 1 variant allele.
Comment: GRIN2A: PM2, BP4

NM_001134407.3(GRIN2A):c.3394C>T (p.Pro1132Ser)

Gene: GRIN2A (glutamate ionotropic receptor NMDA type subunit 2A; minus strand). Cytogenetic location: 16p13.2.
Variant type: single nucleotide variant.
Coding change: c.3394C>T on transcript NM_001134407.3 (MANE Select); coding-DNA position 3394, C replaced by T.
Protein change: p.Pro1132Ser; replaces proline 1132 with serine.
Molecular consequence: missense variant.
Genome position (GRCh38, 1-based): chr16:9,764,150, G>A on the plus strand (C>T on the coding strand, the complement: GRIN2A is on the minus strand). VCF-style: chr16-9764150-G-A. GRCh37 (hg19) VCF-style: chr16-9858007-G-A.
Other names: c.3394C>T, p.Pro1132Ser (NM_000833.5, NM_001134408.2); short protein forms P1132S.
Identifiers: ClinVar variation 4872445 (VCV004872445.2).